The following is an entry in ClinVar:

ClinVar aggregate classification (germline): Uncertain significance. Review status: criteria provided, multiple submitters, no conflicts (2 of 4 stars). 3 submissions from 3 submitters: Uncertain significance (3). Last evaluated 2024-10-24.

Conditions:
Hereditary breast ovarian cancer syndrome. Also called: Hereditary breast and ovarian cancer; Hereditary breast and/or ovarian cancer syndrome; BRCA1- and BRCA2-Associated Hereditary Breast and Ovarian Cancer; Hereditary breast and ovarian cancer syndrome; Hereditary breast and ovarian cancer syndrome (HBOC); Breast and ovarian cancer. Identifiers: Orphanet 145, MedGen C0677776, MeSH D061325, MONDO:0003582. Disease mechanism: loss of function.
Hereditary cancer-predisposing syndrome. Also called: Tumor predisposition; Hereditary Cancer Syndrome; Hereditary neoplastic syndrome; Neoplastic Syndromes, Hereditary. Identifiers: Orphanet 140162, MedGen C0027672, MeSH D009386, MONDO:0015356.

Submissions (3):

Labcorp Genetics (formerly Invitae), Labcorp
Classification: Uncertain significance for Hereditary breast ovarian cancer syndrome. Last evaluated: 2024-10-24. Review status: criteria provided, single submitter. Criteria: Invitae Variant Classification Sherloc (09022015). Collection method: clinical testing. Allele origin: germline.
Comment: This sequence change replaces isoleucine, which is neutral and non-polar, with phenylalanine, which is neutral and non-polar, at codon 1858 of the BRCA1 protein (p.Ile1858Phe). This variant is not present in population databases (gnomAD no frequency). This variant has not been reported in the literature in individuals affected with BRCA1-related conditions. ClinVar contains an entry for this variant (Variation ID: 409352). Invitae Evidence Modeling of protein sequence and biophysical properties (such as structural, functional, and spatial information, amino acid conservation, physicochemical variation, residue mobility, and thermodynamic stability) indicates that this missense variant is not expected to disrupt BRCA1 protein function with a negative predictive value of 95%. In summary, the available evidence is currently insufficient to determine the role of this variant in disease. Therefore, it has been classified as a Variant of Uncertain Significance.

Ambry Genetics
Classification: Uncertain significance for Hereditary cancer-predisposing syndrome. Last evaluated: 2024-01-27. Review status: criteria provided, single submitter. Criteria: Ambry Variant Classification Scheme 2023. Collection method: clinical testing. Allele origin: germline.
Comment: The p.I1858F variant (also known as c.5572A>T), located in coding exon 22 of the BRCA1 gene, results from an A to T substitution at nucleotide position 5572. The isoleucine at codon 1858 is replaced by phenylalanine, an amino acid with highly similar properties. This amino acid position is conserved. In addition, this alteration is predicted to be deleterious by in silico analysis. Based on the available evidence, the clinical significance of this alteration remains unclear.

GeneDx
Classification: Uncertain significance. Last evaluated: 2023-08-11. Review status: criteria provided, single submitter. Criteria: GeneDx Variant Classification Process June 2021. Collection method: clinical testing. Allele origin: germline. Affected: yes.
Comment: Not observed at significant frequency in large population cohorts (gnomAD); In silico analysis supports that this missense variant does not alter protein structure/function; Has not been previously published as pathogenic or benign to our knowledge; Also known as 5691A>T; This variant is associated with the following publications: (PMID: 32377563, 29884841)

NM_007294.4(BRCA1):c.5572A>T (p.Ile1858Phe)

Gene: BRCA1 (BRCA1 DNA repair associated; minus strand). Cytogenetic location: 17q21.31.
Variant type: single nucleotide variant.
Coding change: c.5572A>T on transcript NM_007294.4 (MANE Select); coding-DNA position 5572, A replaced by T.
Protein change: p.Ile1858Phe; replaces isoleucine 1858 with phenylalanine.
Molecular consequence: missense variant. On other transcripts: 3 prime UTR variant (1), non-coding transcript variant (1).
Genome position (GRCh38, 1-based): chr17:43,045,698, T>A on the plus strand (A>T on the coding strand, the complement: BRCA1 is on the minus strand). VCF-style: chr17-43045698-T-A. GRCh37 (hg19) VCF-style: chr17-41197715-T-A.
Other names: c.5428A>T, p.Ile1810Phe (NM_001407746.1, NM_001407748.1, NM_001407747.1 and 18 more transcripts); c.2140A>T, p.Ile714Phe (NM_001408431.1, NM_001408425.1, NM_001408426.1 and 4 more transcripts); c.2137A>T, p.Ile713Phe (NM_001408432.1, NM_001408434.1, NM_001408436.1 and 10 more transcripts); c.5569A>T, p.Ile1857Phe (NM_001407621.1, NM_001407622.1, NM_001407623.1 and 14 more transcripts); c.5566A>T, p.Ile1856Phe (NM_001407627.1, NM_001407628.1, NM_001407629.1 and 13 more transcripts); c.5563A>T, p.Ile1855Phe (NM_001407644.1, NM_001407645.1); c.5560A>T, p.Ile1854Phe (NM_001407646.1); c.5557A>T, p.Ile1853Phe (NM_001407647.1); and 74 more; short protein forms I1858F, I1811F, I1879F, I754F, I1704F, I1731F, I1774F, I1786F.
Identifiers: ClinVar variation 409352 (VCV000409352.12), dbSNP rs765656957, ClinGen allele CA10590181.